The following is an entry in ClinVar:

NM_003282.4(TNNI2):c.229GAG[1] (p.Glu78del)

Gene: TNNI2 (troponin I2, fast skeletal type; plus strand). Cytogenetic location: 11p15.5.
Variant type: Microsatellite.
Coding change: c.229GAG[1] on transcript NM_003282.4 (MANE Select); one copy of the 3-base unit GAG starting at c.229; the reference has two copies in a row; one copy, 3 bases deleted.
Protein change: p.Glu78del; deletes glutamic acid 78.
Molecular consequence: inframe deletion.
Genome position (GRCh38, 1-based): chr11:1,840,864-1,840,866, GAG deleted; deleting any 3 consecutive bases within chr11:1,840,861-1,840,866 gives the same sequence; the position shown is the placement nearest the transcript's 3' end. VCF-style (leftmost placement, unchanged base first): chr11-1840860-AGAG-A. GRCh37 (hg19) VCF-style: chr11-1862090-AGAG-A.
Other names: c.229GAG[1], p.Glu78del (NM_001145829.2, NM_001145841.2); short protein forms E78del.
Identifiers: ClinVar variation 3392743 (VCV003392743.1).

ClinVar aggregate classification (germline): Uncertain significance (1 of 4 stars; one submission).

Submission:

GeneDx
Classification: Uncertain significance. Last evaluated: 2024-06-26. Review status: criteria provided, single submitter. Criteria: GeneDx Variant Classification Process June 2021. Collection method: clinical testing. Allele origin: germline. Affected: yes.
Comment: In-frame deletion of 1 amino acid in a non-repeat region; In silico analysis supports a deleterious effect on protein structure/function; Has not been previously published as pathogenic or benign to our knowledge